The following is an entry in ClinVar:

NM_019109.5(ALG1):c.559C>T (p.Arg187Cys)

Gene: ALG1 (ALG1 chitobiosyldiphosphodolichol beta-mannosyltransferase; plus strand). Cytogenetic location: 16p13.3.
Variant type: single nucleotide variant.
Coding change: c.559C>T on transcript NM_019109.5 (MANE Select); coding-DNA position 559, C replaced by T.
Protein change: p.Arg187Cys; replaces arginine 187 with cysteine.
Molecular consequence: missense variant.
Genome position (GRCh38, 1-based): chr16:5,077,464, C>T. VCF-style: chr16-5077464-C-T. GRCh37 (hg19) VCF-style: chr16-5127465-C-T.
Other names: c.559C>T (NM_019109.4); c.226C>T, p.Arg76Cys (NM_001330504.2); short protein forms R187C, R76C.
Identifiers: ClinVar variation 2171112 (VCV002171112.4), dbSNP rs183132575, ClinGen allele CA7889891.

ClinVar aggregate classification (germline): Uncertain significance. Review status: criteria provided, multiple submitters, no conflicts (2 of 4 stars). 3 submissions from 3 submitters: Uncertain significance (3). Last evaluated 2024-12-02.

Conditions:
ALG1-congenital disorder of glycosylation. Also called: CDG Ik; CONGENITAL DISORDER OF GLYCOSYLATION, TYPE Ik; ALG1-CDG. Identifiers: Orphanet 79327, MedGen C2931005, MONDO:0012052, OMIM 608540.
Inborn genetic diseases. Identifiers: MedGen C0950123, MeSH D030342.

Allele frequency attached by ClinVar (database versions not stated): gnomAD exomes 0.00002; TOPMed 0.00002; gnomAD 0.00003; ExAC 0.00007; 1000 Genomes Project 0.00020; 1000 Genomes Project 30x 0.00031.
gnomAD v4.1: 41 of 1,614,122 alleles (0.0025%); highest among the groups gnomAD compares: East Asian, 0.02%; no homozygotes.

Submissions (3):

Labcorp Genetics (formerly Invitae), Labcorp
Classification: Uncertain significance for ALG1-congenital disorder of glycosylation. Last evaluated: 2024-12-02. Review status: criteria provided, single submitter. Criteria: Invitae Variant Classification Sherloc (09022015). Collection method: clinical testing. Allele origin: germline.
Comment: This sequence change replaces arginine, which is basic and polar, with cysteine, which is neutral and slightly polar, at codon 187 of the ALG1 protein (p.Arg187Cys). This variant is present in population databases (rs183132575, gnomAD 0.05%). This variant has not been reported in the literature in individuals affected with ALG1-related conditions. ClinVar contains an entry for this variant (Variation ID: 2171112). Invitae Evidence Modeling of protein sequence and biophysical properties (such as structural, functional, and spatial information, amino acid conservation, physicochemical variation, residue mobility, and thermodynamic stability) indicates that this missense variant is not expected to disrupt ALG1 protein function with a negative predictive value of 80%. In summary, the available evidence is currently insufficient to determine the role of this variant in disease. Therefore, it has been classified as a Variant of Uncertain Significance.

Ambry Genetics
Classification: Uncertain significance for Inborn genetic diseases. Last evaluated: 2024-08-28. Review status: criteria provided, single submitter. Criteria: Ambry Variant Classification Scheme 2023. Collection method: clinical testing. Allele origin: germline.

Fulgent Genetics
Classification: Uncertain significance for ALG1-congenital disorder of glycosylation. Last evaluated: 2024-04-11. Review status: criteria provided, single submitter. Criteria: ACMG Guidelines, 2015. Collection method: clinical testing. Allele origin: germline.